The following is an entry in ClinVar:

NM_020832.3(ZNF687):c.2020C>T (p.Arg674Cys)

Gene: ZNF687 (zinc finger protein 687; plus strand). Cytogenetic location: 1q21.3.
Variant type: single nucleotide variant.
Coding change: c.2020C>T on transcript NM_020832.3 (MANE Select); coding-DNA position 2020, C replaced by T.
Protein change: p.Arg674Cys; replaces arginine 674 with cysteine.
Molecular consequence: missense variant.
Genome position (GRCh38, 1-based): chr1:151,288,311, C>T. VCF-style: chr1-151288311-C-T. GRCh37 (hg19) VCF-style: chr1-151260787-C-T.
Other names: c.2020C>T, p.Arg674Cys (NM_001304763.2, NM_001304764.2); short protein forms R674C.
Identifiers: ClinVar variation 1933347 (VCV001933347.5), dbSNP rs138697540, ClinGen allele CA1088441.

ClinVar aggregate classification (germline): Uncertain significance (1 of 4 stars; one submission).

Allele frequency attached by ClinVar (database versions not stated): gnomAD 0.00002; ExAC 0.00003; TOPMed 0.00004; gnomAD exomes 0.00007.

Submission:

Labcorp Genetics (formerly Invitae), Labcorp
Classification: Uncertain significance. Last evaluated: 2025-08-11. Review status: criteria provided, single submitter. Criteria: Invitae Variant Classification Sherloc (09022015). Collection method: clinical testing. Allele origin: germline.
Comment: This sequence change replaces arginine, which is basic and polar, with cysteine, which is neutral and slightly polar, at codon 674 of the ZNF687 protein (p.Arg674Cys). This variant is present in population databases (rs138697540, gnomAD 0.003%). This variant has not been reported in the literature in individuals affected with ZNF687-related conditions. ClinVar contains an entry for this variant (Variation ID: 1933347). An algorithm developed to predict the effect of missense changes on protein structure and function (PolyPhen-2) suggests that this variant is likely to be disruptive. In summary, the available evidence is currently insufficient to determine the role of this variant in disease. Therefore, it has been classified as a Variant of Uncertain Significance.